The following is an entry in ClinVar:

NM_004304.5(ALK):c.3840G>A (p.Ala1280=)

Gene: ALK (ALK receptor tyrosine kinase; minus strand). Cytogenetic location: 2p23.2.
Variant type: single nucleotide variant.
Coding change: c.3840G>A on transcript NM_004304.5 (MANE Select); coding-DNA position 3840, G replaced by A.
Protein change: p.Ala1280=; no amino-acid change (alanine 1280 retained).
Molecular consequence: synonymous variant.
Genome position (GRCh38, 1-based): chr2:29,207,269, C>T on the plus strand (G>A on the coding strand, the complement: ALK is on the minus strand). VCF-style: chr2-29207269-C-T. GRCh37 (hg19) VCF-style: chr2-29430135-C-T.
Other names: c.636G>A, p.Ala212= (NM_001353765.2).
Identifiers: ClinVar variation 1105586 (VCV001105586.25), dbSNP rs765226629, ClinGen allele CA1593741.
Genomic context (GRCh38, chr2:29,207,269, plus strand): 5'-GGCCTCTGGGGGCATCCACTTAACTGGCAGCATGGCACAGCCTCCCTTTCTATAGTAGCT[C>T]GCCCTGTGGGGAAGGAGAGGAAAACCAAACTAGGATCTGGAGATGGCATTAAGCATCTGC-3'
Protein context (NP_004295.2, residues 1270-1290): DFGMARDIYR[Ala1280=]SYYRKGGCAM

ClinVar aggregate classification (germline): Likely benign. Review status: criteria provided, multiple submitters, no conflicts (2 of 4 stars). 3 submissions from 3 submitters: Likely benign (3). Last evaluated 2026-01-19.

Conditions:
Hereditary cancer-predisposing syndrome. Also called: Neoplastic Syndromes, Hereditary; Tumor predisposition; Hereditary neoplastic syndrome; Hereditary Cancer Syndrome. Identifiers: Orphanet 140162, MedGen C0027672, MeSH D009386, MONDO:0015356.
Neuroblastoma, susceptibility to, 3. Also called: ALK-Related Neuroblastic Tumor Susceptibility. Identifiers: Orphanet 635, MedGen C2751681, MONDO:0013083, OMIM 613014.

Allele frequency attached by ClinVar (database versions not stated): gnomAD exomes below 0.00001; ExAC 0.00001.
gnomAD v4.1: 19 of 1,613,922 alleles (0.0012%); highest among the groups gnomAD compares: East Asian, 0.018%; no homozygotes.

Submissions (3):

Labcorp Genetics (formerly Invitae), Labcorp
Classification: Likely benign for Neuroblastoma, susceptibility to, 3. Last evaluated: 2026-01-19. Review status: criteria provided, single submitter. Criteria: Invitae Variant Classification Sherloc (09022015). Collection method: clinical testing. Allele origin: germline.

CeGaT Center for Human Genetics Tuebingen
Classification: Likely benign. Last evaluated: 2024-09-01. Review status: criteria provided, single submitter. Criteria: CeGaT Center For Human Genetics Tuebingen Variant Classification Criteria Version 2. Collection method: clinical testing. Allele origin: germline. Affected: yes. Observed: 1 variant allele.
Comment: ALK: BP4, BP7

Ambry Genetics
Classification: Likely benign for Hereditary cancer-predisposing syndrome. Last evaluated: 2021-03-15. Review status: criteria provided, single submitter. Criteria: Ambry Variant Classification Scheme 2023. Collection method: clinical testing. Allele origin: germline.